The following is an entry in ClinVar:

NM_024426.6(WT1):c.91C>G (p.Gln31Glu)

Genes: WT1 (WT1 transcription factor; minus strand), LOC107982234 (WT1/WT1-AS bi-directional promoter region; plus strand). Cytogenetic location: 11p13.
Variant type: single nucleotide variant.
Coding change: c.91C>G on transcript NM_024426.6 (MANE Select); coding-DNA position 91, C replaced by G.
Protein change: p.Gln31Glu; replaces glutamine 31 with glutamic acid.
Molecular consequence: missense variant. On other transcripts: non-coding transcript variant (2).
Genome position (GRCh38, 1-based): chr11:32,435,270, G>C on the plus strand (C>G on the coding strand, the complement: WT1 is on the minus strand). VCF-style: chr11-32435270-G-C. GRCh37 (hg19) VCF-style: chr11-32456816-G-C.
Other names: c.76C>G (NM_024426.4); c.91C>G, p.Gln31Glu (NM_000378.6, NM_001407044.1, NM_001407045.1 and 6 more transcripts); c.76C>G, p.Gln26Glu (NM_024425.2); short protein forms Q26E, Q31E.
Identifiers: ClinVar variation 2950348 (VCV002950348.5), dbSNP rs914057243, ClinGen allele CA219511455.
Genomic context (GRCh38, chr11:32,435,270, plus strand): 5'-CGGCGCCTAACTTGGCCCAGATGCCGCCCGGGTCCCGGACTCCCTGCTGCTCTGGCTGCT[G>C]TAGGCACCCAGGCCCGGAGCGGAGCGTGTGCTGAGACGCCGGCTCCGGGACACACGTGGA-3'
Protein context (NP_077744.4, residues 21-41): HTLRSGPGCL[Gln31Glu]QPEQQGVRDP

ClinVar aggregate classification (germline): Uncertain significance. Review status: criteria provided, multiple submitters, no conflicts (2 of 4 stars). 3 submissions from 3 submitters: Uncertain significance (3). Last evaluated 2025-04-04.

Conditions:
Frasier syndrome. Identifiers: Orphanet 347, MedGen C0950122, MeSH D052159, MONDO:0007635, OMIM 136680.
Drash syndrome (DDS). Also called: NEPHROPATHY, WILMS TUMOR, AND GENITAL ANOMALIES; WILMS TUMOR AND PSEUDO- OR TRUE HERMAPHRODITISM. Identifiers: Orphanet 220, MedGen C0950121, MONDO:0008682, OMIM 194080.
Wilms tumor 1 (WT1). Also called: Wilms tumor, somatic. Identifiers: Orphanet 654, MedGen CN033288, MONDO:0008679, OMIM 194070.
11p partial monosomy syndrome (WAGR). Also called: CHROMOSOME 11p13 DELETION SYNDROME; WAGR syndrome; WAGR Complex; WAGR Spectrum Disorder. Identifiers: Orphanet 893, MedGen C0206115, MONDO:0008681, OMIM 194072.
Inborn genetic diseases. Identifiers: MedGen C0950123, MeSH D030342.

Allele frequency attached by ClinVar (database versions not stated): gnomAD 0.00001; TOPMed 0.00001.

Submissions (3):

Ambry Genetics
Classification: Uncertain significance for Inborn genetic diseases. Last evaluated: 2025-04-04. Review status: criteria provided, single submitter. Criteria: Ambry Variant Classification Scheme 2023. Collection method: clinical testing. Allele origin: germline.
Comment: The p.Q26E variant (also known as c.76C>G), located in coding exon 1 of the WT1 gene, results from a C to G substitution at nucleotide position 76. The glutamine at codon 26 is replaced by glutamic acid, an amino acid with highly similar properties. This amino acid position is conserved. In addition, this alteration is predicted to be tolerated by in silico analysis. Based on the available evidence, the clinical significance of this variant remains unclear.

Labcorp Genetics (formerly Invitae), Labcorp
Classification: Uncertain significance for Wilms tumor 1; Drash syndrome; 11p partial monosomy syndrome; Frasier syndrome. Last evaluated: 2023-09-25. Review status: criteria provided, single submitter. Criteria: Invitae Variant Classification Sherloc (09022015). Collection method: clinical testing. Allele origin: germline.
Comment: In summary, the available evidence is currently insufficient to determine the role of this variant in disease. Therefore, it has been classified as a Variant of Uncertain Significance. An algorithm developed to predict the effect of missense changes on protein structure and function (PolyPhen-2) suggests that this variant is likely to be tolerated. This sequence change replaces glutamine, which is neutral and polar, with glutamic acid, which is acidic and polar, at codon 26 of the WT1 protein (p.Gln26Glu). This variant is present in population databases (no rsID available, gnomAD 0.01%). This variant has not been reported in the literature in individuals affected with WT1-related conditions.

All of Us Research Program, National Institutes of Health
Classification: Uncertain significance for Wilms tumor 1. Last evaluated: 2023-04-03. Review status: criteria provided, single submitter. Criteria: ACMG Guidelines, 2015. Collection method: clinical testing. Allele origin: germline. Inheritance: Autosomal dominant inheritance. Observed: 1 variant allele, 1 heterozygote.
Comment: This missense variant replaces glutamine with glutamic acid at codon 26 of the WT1 protein (NM_024426.4). Computational prediction suggests that this variant may not impact protein structure and function (internally defined REVEL score threshold <= 0.5, PMID: 27666373). To our knowledge, functional studies have not been reported for this variant. This variant has not been reported in individuals affected with WT1-related disorders in the literature. This variant has been identified in 1/31330 chromosomes in the general population by the Genome Aggregation Database (gnomAD). The available evidence is insufficient to determine the role of this variant in disease conclusively. Therefore, this variant is classified as a Variant of Uncertain Significance.

This study involves interpretation of variants in research participants for the purpose of population health screening. Participant phenotype was not available at the time of variant classification. Additional details can be found in publication PMID: 35346344, PMCID: PMC8962531